The following is an entry in ClinVar:

NM_000090.4(COL3A1):c.2681G>A (p.Gly894Asp)

Gene: COL3A1 (collagen type III alpha 1 chain; plus strand). Cytogenetic location: 2q32.2.
Variant type: single nucleotide variant.
Coding change: c.2681G>A on transcript NM_000090.4 (MANE Select); coding-DNA position 2681, G replaced by A.
Protein change: p.Gly894Asp; replaces glycine 894 with aspartic acid.
Molecular consequence: missense variant.
Genome position (GRCh38, 1-based): chr2:189,004,001, G>A. VCF-style: chr2-189004001-G-A. GRCh37 (hg19) VCF-style: chr2-189868727-G-A.
Other names: short protein forms G894D.
Identifiers: ClinVar variation 3340203 (VCV003340203.1).

ClinVar aggregate classification (germline): Pathogenic (1 of 4 stars; one submission).

Submission:

GeneDx
Classification: Pathogenic. Last evaluated: 2024-03-11. Review status: criteria provided, single submitter. Criteria: GeneDx Variant Classification Process June 2021. Collection method: clinical testing. Allele origin: germline. Affected: yes.
Comment: Reported in patient with recurrent hemoptysis in the published literature (PMID: 11843319); In silico analysis supports that this missense variant has a deleterious effect on protein structure/function; Occurs in the triple helical domain and replaces the glycine in the canonical Gly-X-Y repeat; missense substitution of a canonical glycine residue is expected to disrupt normal protein folding and function, and this is an established mechanism of disease (HGMD); Not observed at significant frequency in large population cohorts (gnomAD); This variant is associated with the following publications: (PMID: 11843319, 9036918, 10706896, 20133296)